The following is an entry in ClinVar:

ClinVar aggregate classification (somatic clinical impact): Tier II - Potential (1 of 4 stars; one submission).

Conditions:
Neuroblastoma (NB). Identifiers: Orphanet 635, MedGen C0027819, MeSH D009447, MONDO:0005072, HP:0003006.

Submission:

Institute for Genomic Medicine (IGM) Clinical Laboratory, Nationwide Children's Hospital
Classification: Tier II - Potential for Neuroblastoma. Assertion type: diagnostic. Clinical significance: supports diagnosis. Last evaluated: 2025-07-07. Review status: criteria provided, single submitter. Criteria: AMP/ASCO/CAP Guidelines, 2017. Collection method: clinical testing. Allele origin: somatic. Affected: yes.
Comment: Variant has Tier II (potential) clinical significance as a diagnostic inclusion criterion in neuroblastoma, based on the following evidence: 1) Assists in diagnosis alone or along with other biomarkers based on small studies or few case reports (Evidence Level D; PMIDs: 22367537, 36973454).

Literature cited by the submitters: PubMed 22367537; PubMed 36973454.

NM_177438.3(DICER1):c.5115A>T (p.Glu1705Asp)

Gene: DICER1 (dicer 1, ribonuclease III; minus strand). Cytogenetic location: 14q32.13.
Variant type: single nucleotide variant.
Coding change: c.5115A>T on transcript NM_177438.3 (MANE Select); coding-DNA position 5115, A replaced by T.
Protein change: p.Glu1705Asp; replaces glutamic acid 1705 with aspartic acid.
Molecular consequence: missense variant. On other transcripts: non-coding transcript variant (6).
Genome position (GRCh38, 1-based): chr14:95,094,137, T>A on the plus strand (A>T on the coding strand, the complement: DICER1 is on the minus strand). VCF-style: chr14-95094137-T-A. GRCh37 (hg19) VCF-style: chr14-95560474-T-A.
Other names: c.5115A>T, p.Glu1705Asp (NM_001195573.1, NM_001271282.3, NM_001291628.2 and 8 more transcripts); c.4833A>T, p.Glu1611Asp (NM_001395686.1); c.4710A>T, p.Glu1570Asp (NM_001395687.1, NM_001395688.1, NM_001395689.1 and 1 more transcripts); c.4548A>T, p.Glu1516Asp (NM_001395691.1); c.3432A>T, p.Glu1144Asp (NM_001395697.1); short protein forms E1144D, E1516D, E1570D, E1611D, E1705D.
Identifiers: ClinVar variation 4530095 (VCV004530095.1).
Genomic context (GRCh38, chr14:95,094,137, plus strand): 5'-CCGCGGGTCTTCATAAAGGTGCTTGGTTATGAGGTAGTCCAAAATCGCATCTCCCAGGAA[T>A]TCTAAGCGCTGGTAACAATCTGAGGGGATCCGAAGTGGAACCGTAAGCTTGTGCAGAAGC-3'
Protein context (NP_803187.1, residues 1695-1715): NTITDCYQRL[Glu1705Asp]FLGDAILDYL